The following is an entry in ClinVar:

ClinVar aggregate classification (germline): Pathogenic (1 of 4 stars; one submission).

Allele frequency attached by ClinVar (database versions not stated): gnomAD exomes below 0.00001.
gnomAD v4.1: 7 of 1,611,404 alleles (0.00043%); highest among the groups gnomAD compares: Non-Finnish European, 0.00059%; no homozygotes.

Submission:

Labcorp Genetics (formerly Invitae), Labcorp
Classification: Pathogenic. Last evaluated: 2021-02-18. Review status: criteria provided, single submitter. Criteria: Invitae Variant Classification Sherloc (09022015). Collection method: clinical testing. Allele origin: germline.
Comment: For these reasons, this variant has been classified as Pathogenic. This variant has not been reported in the literature in individuals with ESCO2-related conditions. ClinVar contains an entry for this variant (Variation ID: 857598). This variant is not present in population databases (ExAC no frequency). This sequence change creates a premature translational stop signal (p.Gln51*) in the ESCO2 gene. It is expected to result in an absent or disrupted protein product. Loss-of-function variants in ESCO2 are known to be pathogenic (PMID: 15821733, 16380922).

Literature cited by the submitters: PubMed 15821733; PubMed 16380922.

NM_001017420.3(ESCO2):c.151C>T (p.Gln51Ter)

Gene: ESCO2 (establishment of sister chromatid cohesion N-acetyltransferase 2; plus strand). Cytogenetic location: 8p21.1.
Variant type: single nucleotide variant.
Coding change: c.151C>T on transcript NM_001017420.3 (MANE Select); coding-DNA position 151, C replaced by T.
Protein change: p.Gln51Ter; replaces glutamine 51 with a stop codon.
Molecular consequence: nonsense.
Genome position (GRCh38, 1-based): chr8:27,776,459, C>T. VCF-style: chr8-27776459-C-T. GRCh37 (hg19) VCF-style: chr8-27633976-C-T.
Other names: short protein forms Q51*.
Identifiers: ClinVar variation 857598 (VCV000857598.6), dbSNP rs1473541902, ClinGen allele CA370817048.